The following is an entry in ClinVar:

NM_015466.4(PTPN23):c.4855C>T (p.Pro1619Ser)

Gene: PTPN23 (protein tyrosine phosphatase non-receptor type 23; plus strand). Cytogenetic location: 3p21.31.
Variant type: single nucleotide variant.
Coding change: c.4855C>T on transcript NM_015466.4 (MANE Select); coding-DNA position 4855, C replaced by T.
Protein change: p.Pro1619Ser; replaces proline 1619 with serine.
Molecular consequence: missense variant.
Genome position (GRCh38, 1-based): chr3:47,413,129, C>T. VCF-style: chr3-47413129-C-T. GRCh37 (hg19) VCF-style: chr3-47454619-C-T.
Other names: c.4477C>T, p.Pro1493Ser (NM_001304482.2); short protein forms P1619S, P1493S.
Identifiers: ClinVar variation 1943384 (VCV001943384.2), dbSNP rs950271565, ClinGen allele CA73887217.

ClinVar aggregate classification (germline): Uncertain significance (1 of 4 stars; one submission).

Allele frequency attached by ClinVar (database versions not stated): gnomAD 0.00001; TOPMed 0.00002.
gnomAD v4.1: 31 of 1,612,710 alleles (0.0019%); highest among the groups gnomAD compares: Non-Finnish European, 0.0025%; no homozygotes.

Submission:

Labcorp Genetics (formerly Invitae), Labcorp
Classification: Uncertain significance. Last evaluated: 2022-02-25. Review status: criteria provided, single submitter. Criteria: Invitae Variant Classification Sherloc (09022015). Collection method: clinical testing. Allele origin: germline.
Comment: This sequence change replaces proline, which is neutral and non-polar, with serine, which is neutral and polar, at codon 1619 of the PTPN23 protein (p.Pro1619Ser). This variant is present in population databases (no rsID available, gnomAD 0.007%). This variant has not been reported in the literature in individuals affected with PTPN23-related conditions. Algorithms developed to predict the effect of missense changes on protein structure and function are either unavailable or do not agree on the potential impact of this missense change (SIFT: "Tolerated"; PolyPhen-2: "Not Available"; Align-GVGD: "Class C0"). In summary, the available evidence is currently insufficient to determine the role of this variant in disease. Therefore, it has been classified as a Variant of Uncertain Significance.